The following is an entry in ClinVar:

NM_001129.5(AEBP1):c.2608del (p.Glu870fs)

Gene: AEBP1 (AE binding protein 1; plus strand). Cytogenetic location: 7p13.
Variant type: Deletion.
Coding change: c.2608del on transcript NM_001129.5 (MANE Select); coding-DNA position 2608, one base deleted (G; older notation c.2608delG).
Protein change: p.Glu870fs; shifts the reading frame from glutamic acid 870.
Molecular consequence: frameshift variant.
Genome position (GRCh38, 1-based): chr7:44,113,029, G deleted; the last of 2 consecutive G bases (chr7:44,113,028-44,113,029); deleting either gives the same sequence. VCF-style (leftmost placement, unchanged base first): chr7-44113027-TG-T. GRCh37 (hg19) VCF-style: chr7-44152626-TG-T.
Other names: short protein forms E870fs.
Identifiers: ClinVar variation 2747490 (VCV002747490.3), dbSNP rs2484360667, ClinGen allele CA2697557247.
Genomic context (GRCh38, chr7:44,113,027, plus strand): 5'-GGGTCTGTATCTGTCCCCGGCCAGCTATCAATGACTTCAGTTACCTGCATACCAACTGCC[TG>T]GAGCTCTCCTTCTACCTGGGCTGTGACAAGTTCCCTCATGAGAGTGAGCTGCCCCGCGAG-3'

ClinVar aggregate classification (germline): Pathogenic (1 of 4 stars; one submission).

Submission:

Labcorp Genetics (formerly Invitae), Labcorp
Classification: Pathogenic. Last evaluated: 2023-05-29. Review status: criteria provided, single submitter. Criteria: Invitae Variant Classification Sherloc (09022015). Collection method: clinical testing. Allele origin: germline.
Comment: This variant is not present in population databases (gnomAD no frequency). This variant has not been reported in the literature in individuals affected with AEBP1-related conditions. For these reasons, this variant has been classified as Pathogenic. This sequence change creates a premature translational stop signal (p.Glu870Serfs*43) in the AEBP1 gene. It is expected to result in an absent or disrupted protein product. Loss-of-function variants in AEBP1 are known to be pathogenic (PMID: 29606302).

Literature cited by the submitters: PubMed 29606302.